The following is an entry in ClinVar:

NM_052867.4(NALCN):c.4330+5G>A

Gene: NALCN (sodium leak channel, non-selective; minus strand). Cytogenetic location: 13q32.3.
Variant type: single nucleotide variant.
Coding change: c.4330+5G>A on transcript NM_052867.4 (MANE Select); 5 bases into the intron after coding-DNA position 4330, G replaced by A.
Molecular consequence: intron variant.
Genome position (GRCh38, 1-based): chr13:101,068,690, C>T on the plus strand (G>A on the coding strand, the complement: NALCN is on the minus strand). VCF-style: chr13-101068690-C-T. GRCh37 (hg19) VCF-style: chr13-101721042-C-T.
Other names: c.4243+5G>A (NM_001350751.2, NM_001350750.2); c.4330+5G>A (NM_001350749.2); c.4417+5G>A (NM_001350748.2).
Identifiers: ClinVar variation 489163 (VCV000489163.2), dbSNP rs763237578, ClinGen allele CA7035156.
Genomic context (GRCh38, chr13:101,068,690, plus strand): 5'-ATAATACATAATTATCTAAGTACCTGAGTTTAAAGAGTAAAAAGTATTCAACTAACATCA[C>T]TTACCTACAAGCAGATTTAGCATGATGTAGGCAATGATGACATAAAATGAACAGAAATAC-3'

ClinVar aggregate classification (germline): Likely pathogenic (1 of 4 stars; one submission).

Allele frequency attached by ClinVar (database versions not stated): gnomAD exomes below 0.00001; ExAC 0.00001.
gnomAD v4.1: 1 of 1,589,750 alleles (0.000063%); highest among the groups gnomAD compares: Non-Finnish European, 0.000085%; no homozygotes.

Submission:

GeneDx
Classification: Likely pathogenic. Last evaluated: 2017-11-28. Review status: criteria provided, single submitter. Criteria: GeneDx Variant Classification (06012015). Collection method: clinical testing. Allele origin: germline. Affected: yes.
Comment: The c.4330+5G>A variant in the NALCN gene has not been reported previously as a pathogenic variant, nor as a benign variant, to our knowledge. This splice site variant is predicted to cause abnormal gene splicing resulting in an in-frame protein product with an abnormal message. The c.4330+5G>A variant is not observed at a significant frequency in large population cohorts (Lek et al., 2016). We interpret c.4330+5G>A as a likely pathogenic variant.